The following is an entry in ClinVar:

NM_001267550.2(TTN):c.49060C>T (p.Pro16354Ser)

Genes: TTN (titin; minus strand), TTN-AS1 (TTN antisense RNA 1; plus strand), LOC126806426 (BRD4-independent group 4 enhancer GRCh37_chr2:179478848-179480047; plus strand). Cytogenetic location: 2q31.2.
Variant type: single nucleotide variant.
Coding change: c.49060C>T on transcript NM_001267550.2 (MANE Select); coding-DNA position 49060, C replaced by T.
Protein change: p.Pro16354Ser; replaces proline 16354 with serine.
Molecular consequence: missense variant. On other transcripts: non-coding transcript variant (1).
Genome position (GRCh38, 1-based): chr2:178,614,337, G>A on the plus strand (C>T on the coding strand, the complement: TTN is on the minus strand). VCF-style: chr2-178614337-G-A. GRCh37 (hg19) VCF-style: chr2-179479064-G-A.
Other names: p.Pro14713Ser; c.44137C>T, p.Pro14713Ser (NM_001256850.1); c.21865C>T, p.Pro7289Ser (NM_003319.4); c.41356C>T, p.Pro13786Ser (NM_133378.4); c.22240C>T, p.Pro7414Ser (NM_133432.3); c.22441C>T, p.Pro7481Ser (NM_133437.4); short protein forms P16354S, P13786S, P7289S, P14713S, P7481S, P7414S.
Identifiers: ClinVar variation 290717 (VCV000290717.13), dbSNP rs747402071, ClinGen allele CA1994678.
Genomic context (GRCh38, chr2:178,614,337, plus strand): 5'-GGTTCCATGTTAGAAGACATGACTCATTGGTTACATCTGTGATGTCAAAGGCAGCTGGTG[G>A]TCCGGGTTTATCTGTGTATGGCATTACAGATGCAGAAAAAAAAATTGTTCACCATTTTTT-3'
Protein context (NP_001254479.2, residues 16344-16364): VEVNVLDKPG[Pro16354Ser]PAAFDITDVT

ClinVar aggregate classification (germline): Uncertain significance. Review status: criteria provided, multiple submitters, no conflicts (2 of 4 stars). 4 submissions from 4 submitters: Uncertain significance (4). Last evaluated 2025-10-23.

Conditions:
Cardiovascular phenotype. Identifiers: MedGen CN230736.

Allele frequency attached by ClinVar (database versions not stated): gnomAD 0.00002 and 0.00001; gnomAD exomes 0.00005 and 0.00003; ExAC 0.00005; TOPMed 0.00003.
gnomAD v4.1: 76 of 1,612,204 alleles (0.0047%); highest among the groups gnomAD compares: South Asian, 0.0077%; no homozygotes.

Submissions (4):

Mayo Clinic Laboratories, Mayo Clinic
Classification: Uncertain significance. Last evaluated: 2025-10-23. Review status: criteria provided, single submitter. Criteria: ACMG Guidelines, 2015. Collection method: clinical testing. Allele origin: germline. Observed: 1 variant allele.

Revvity Omics, Revvity
Classification: Uncertain significance. Last evaluated: 2024-06-28. Review status: criteria provided, single submitter. Criteria: ACMG Guidelines, 2015. Collection method: clinical testing. Allele origin: germline.

Ambry Genetics
Classification: Uncertain significance for Cardiovascular phenotype. Last evaluated: 2017-12-16. Review status: criteria provided, single submitter. Criteria: Ambry Variant Classification Scheme 2023. Collection method: clinical testing. Allele origin: germline.
Comment: The p.P7289S variant (also known as c.21865C>T), located in coding exon 89 of the TTN gene, results from a C to T substitution at nucleotide position 21865. The proline at codon 7289 is replaced by serine, an amino acid with similar properties. This amino acid position is highly conserved in available vertebrate species. In addition, this alteration is predicted to be tolerated by in silico analysis. Since supporting evidence is limited at this time, the clinical significance of this alteration remains unclear.

Eurofins Ntd Llc (ga)
Classification: Uncertain significance. Last evaluated: 2016-09-06. Review status: criteria provided, single submitter. Criteria: EGL Classification Definitions 2015. Collection method: clinical testing. Allele origin: germline. Observed: 1 variant allele, 1 heterozygote.